The following is an entry in ClinVar:

ClinVar aggregate classification (germline): Uncertain significance (1 of 4 stars; one submission).

Submission:

Ambry Genetics
Classification: Uncertain significance. Last evaluated: 2023-04-30. Review status: criteria provided, single submitter. Criteria: Ambry Variant Classification Scheme 2023. Collection method: clinical testing. Allele origin: germline.
Comment: The p.L153S variant (also known as c.458T>C), located in coding exon 6 of the RAD54L gene, results from a T to C substitution at nucleotide position 458. The leucine at codon 153 is replaced by serine, an amino acid with dissimilar properties. This amino acid position is conserved. In addition, this alteration is predicted to be deleterious by in silico analysis. Since supporting evidence is limited at this time, the clinical significance of this alteration remains unclear.

NM_003579.4(RAD54L):c.458T>C (p.Leu153Ser)

Gene: RAD54L (RAD54 like; plus strand). Cytogenetic location: 1p34.1.
Variant type: single nucleotide variant.
Coding change: c.458T>C on transcript NM_003579.4 (MANE Select); coding-DNA position 458, T replaced by C.
Protein change: p.Leu153Ser; replaces leucine 153 with serine.
Molecular consequence: missense variant. On other transcripts: 5 prime UTR variant (1).
Genome position (GRCh38, 1-based): chr1:46,260,592, T>C. VCF-style: chr1-46260592-T-C. GRCh37 (hg19) VCF-style: chr1-46726264-T-C.
Other names: c.458T>C, p.Leu153Ser (NM_001142548.2); c.-83T>C (NM_001370766.1); short protein forms L153S.
Identifiers: ClinVar variation 2561509 (VCV002561509.2), dbSNP rs2525667560, ClinGen allele CA340185020.
Genomic context (GRCh38, chr1:46,260,592, plus strand): 5'-GTTTTCTCAGGGAGAAACTCCCTGTCCATGTGGTTGTTGACCCTATTCTCAGTAAGGTTT[T>C]GCGGCCTCATCAGAGAGAGGTAAATGAGGGTGAGGGGAACGAGGTATGGGCTATGGGCTG-3'
Protein context (NP_003570.2, residues 143-163): VVVDPILSKV[Leu153Ser]RPHQREGVKF